The following is an entry in ClinVar:

NM_000057.4(BLM):c.1025dup (p.Leu342fs)

Gene: BLM (BLM RecQ like helicase; plus strand). Cytogenetic location: 15q26.1.
Variant type: Duplication.
Coding change: c.1025dup on transcript NM_000057.4 (MANE Select); coding-DNA position 1025, one base duplicated (T; older notation c.1025dupT).
Protein change: p.Leu342fs; shifts the reading frame from leucine 342.
Molecular consequence: frameshift variant. On other transcripts: 5 prime UTR variant (1).
Genome position (GRCh38, 1-based): chr15:90,754,876, T duplicated; the last of 4 consecutive T bases (chr15:90,754,873-90,754,876); duplicating any one gives the same sequence. VCF-style (leftmost placement, unchanged base first): chr15-90754872-C-CT. GRCh37 (hg19) VCF-style: chr15-91298102-C-CT.
Other names: c.1025dupT (NM_000057.3, NM_000057.2); c.1025dup, p.Leu342fs (NM_001287246.2, NM_001287247.2); c.-267dup (NM_001287248.2); short protein forms L342fs.
Identifiers: ClinVar variation 3223767 (VCV003223767.2), dbSNP rs2505406989, ClinGen allele CA2825002313.

ClinVar aggregate classification (germline): Pathogenic/Likely pathogenic. Review status: criteria provided, multiple submitters, no conflicts (2 of 4 stars). 2 submissions from 2 submitters: Pathogenic (1); Likely pathogenic (1). Last evaluated 2024-02-20.

Conditions:
Bloom syndrome (BLM). Also called: Bloom-Torre-Machacek syndrome. Identifiers: Orphanet 125, MedGen C0005859, MONDO:0008876, OMIM 210900.
Hereditary cancer-predisposing syndrome. Also called: Tumor predisposition; Hereditary neoplastic syndrome; Hereditary Cancer Syndrome; Neoplastic Syndromes, Hereditary. Identifiers: Orphanet 140162, MedGen C0027672, MeSH D009386, MONDO:0015356.

Submissions (2):

Natera, Inc.
Classification: Likely pathogenic for Bloom syndrome. Last evaluated: 2024-02-20. Review status: criteria provided, single submitter. Criteria: Natera Variant Classification Schema (03/2026). Collection method: clinical testing. Allele origin: germline.
Comment: The c.1025dupT variant in BLM is a frameshift variant predicted to shift the reading frame beginning at codon 342 and leads to a stop codon 5 codons downstream. This variant is expected to result in nonsense mediated decay, truncation, or a dysfunctional protein product. This variant is rare in the general population with a frequency below the threshold expected for the associated phenotype(s). Given the available evidence, this variant is classified as Likely Pathogenic.

Ambry Genetics
Classification: Pathogenic for Hereditary cancer-predisposing syndrome. Last evaluated: 2023-12-26. Review status: criteria provided, single submitter. Criteria: Ambry Variant Classification Scheme 2023. Collection method: clinical testing. Allele origin: germline.
Comment: The c.1025dupT pathogenic mutation, located in coding exon 4 of the BLM gene, results from a duplication of T at nucleotide position 1025, causing a translational frameshift with a predicted alternate stop codon (p.L342Ffs*5). This alteration is expected to result in loss of function by premature protein truncation or nonsense-mediated mRNA decay. As such, this alteration is interpreted as a disease-causing mutation.